The following is an entry in ClinVar:

ClinVar aggregate classification (germline): Uncertain significance (1 of 4 stars; one submission).

Conditions:
Leukocyte adhesion deficiency 3. Also called: INTEGRIN ACTIVATION DEFICIENCY DISEASE; LEUKOCYTE ADHESION DEFICIENCY 1 VARIANT; Leukocyte adhesion deficiency, type III. Identifiers: Orphanet 2968, Orphanet 99844, MedGen C2748536, MONDO:0013016, OMIM 612840.

Allele frequency attached by ClinVar (database versions not stated): gnomAD exomes below 0.00001; gnomAD 0.00002; TOPMed 0.00002.
gnomAD v4.1: 5 of 1,614,030 alleles (0.00031%); highest among the groups gnomAD compares: Non-Finnish European, 0.00042%; no homozygotes.

Submission:

Labcorp Genetics (formerly Invitae), Labcorp
Classification: Uncertain significance for Leukocyte adhesion deficiency 3. Last evaluated: 2023-07-21. Review status: criteria provided, single submitter. Criteria: Invitae Variant Classification Sherloc (09022015). Collection method: clinical testing. Allele origin: germline.
Comment: In summary, the available evidence is currently insufficient to determine the role of this variant in disease. Therefore, it has been classified as a Variant of Uncertain Significance. Advanced modeling of protein sequence and biophysical properties (such as structural, functional, and spatial information, amino acid conservation, physicochemical variation, residue mobility, and thermodynamic stability) performed at Invitae indicates that this missense variant is expected to disrupt FERMT3 protein function. ClinVar contains an entry for this variant (Variation ID: 1936981). This variant has not been reported in the literature in individuals affected with FERMT3-related conditions. This variant is present in population databases (no rsID available, gnomAD 0.007%). This sequence change replaces proline, which is neutral and non-polar, with serine, which is neutral and polar, at codon 105 of the FERMT3 protein (p.Pro105Ser).

NM_031471.6(FERMT3):c.313C>T (p.Pro105Ser)

Gene: FERMT3 (FERM domain containing kindlin 3; plus strand). Cytogenetic location: 11q13.1.
Variant type: single nucleotide variant.
Coding change: c.313C>T on transcript NM_031471.6 (MANE Select); coding-DNA position 313, C replaced by T.
Protein change: p.Pro105Ser; replaces proline 105 with serine.
Molecular consequence: missense variant. On other transcripts: 5 prime UTR variant (2).
Genome position (GRCh38, 1-based): chr11:64,210,763, C>T. VCF-style: chr11-64210763-C-T. GRCh37 (hg19) VCF-style: chr11-63978235-C-T.
Other names: c.313C>T, p.Pro105Ser (NM_001382361.1, NM_001382362.1, NM_001382448.1 and 1 more transcripts); c.-228C>T (NM_001382363.1, NM_001382364.1); short protein forms P105S.
Identifiers: ClinVar variation 1936981 (VCV001936981.5), dbSNP rs1234891134, ClinGen allele CA381081400.